The following is an entry in ClinVar:

NM_014236.4(GNPAT):c.1529_1532dup (p.Ser512fs)

Gene: GNPAT (glyceronephosphate O-acyltransferase; plus strand). Cytogenetic location: 1q42.2.
Variant type: Duplication.
Coding change: c.1529_1532dup on transcript NM_014236.4 (MANE Select); coding-DNA positions 1529 to 1532, 4 bases duplicated (TCTA; older notation c.1529_1532dupTCTA).
Protein change: p.Ser512fs; shifts the reading frame from serine 512.
Molecular consequence: frameshift variant.
Genome position (GRCh38, 1-based): chr1:231,272,318-231,272,321, TCTA duplicated. VCF-style (leftmost placement, unchanged base first): chr1-231272317-G-GTCTA. GRCh37 (hg19) VCF-style: chr1-231408063-G-GTCTA.
Other names: c.1346_1349dup, p.Ser451fs (NM_001316350.2); c.1529_1532dupTCTA (NM_014236.4); short protein forms S451fs, S512fs.
Identifiers: ClinVar variation 4850632 (VCV004850632.1).

ClinVar aggregate classification (germline): Likely pathogenic (1 of 4 stars; one submission).

Conditions:
Rhizomelic chondrodysplasia punctata type 2 (RCDP2). Also called: DIHYDROXYACETONEPHOSPHATE ACYLTRANSFERASE DEFICIENCY; PEROXISOMAL DIHYDROXYACETONEPHOSPHATE ACYLTRANSFERASE DEFICIENCY; Chondrodysplasia punctata, rhizomelic, due to dihydroxyacetonephosphate acyltransferase deficiency; DHAPAT DEFICIENCY; Glyceronephosphate O-acyltransferase deficiency; glyceronephosphate O-acyltransferase (GNPAT) deficiency. Identifiers: Orphanet 177, Orphanet 309796, MedGen C1857242, MONDO:0100273, OMIM 222765. Disease mechanism: loss of function.

Submission:

First Genomix Gene Laboratory, Genetic Diagnostics Department
Classification: Likely pathogenic for Rhizomelic chondrodysplasia punctata type 2. Last evaluated: 2025-08-04. Review status: criteria provided, single submitter. Criteria: ACMG Guidelines, 2015. Collection method: clinical testing. Allele origin: germline. Inheritance: Autosomal recessive inheritance. Affected: no. Observed: 1 variant allele.